The following is an entry in ClinVar:

ClinVar aggregate classification (germline): Uncertain significance (1 of 4 stars; one submission).

Allele frequency attached by ClinVar (database versions not stated): gnomAD exomes below 0.00001; TOPMed below 0.00001.
gnomAD v4.1: 5 of 1,613,658 alleles (0.00031%); highest among the groups gnomAD compares: Admixed American, 0.0067%; no homozygotes.

Submission:

Labcorp Genetics (formerly Invitae), Labcorp
Classification: Uncertain significance. Last evaluated: 2022-11-02. Review status: criteria provided, single submitter. Criteria: Invitae Variant Classification Sherloc (09022015). Collection method: clinical testing. Allele origin: germline.
Comment: In summary, the available evidence is currently insufficient to determine the role of this variant in disease. Therefore, it has been classified as a Variant of Uncertain Significance. Advanced modeling of protein sequence and biophysical properties (such as structural, functional, and spatial information, amino acid conservation, physicochemical variation, residue mobility, and thermodynamic stability) performed at Invitae indicates that this missense variant is not expected to disrupt SEMA4A protein function. This variant has not been reported in the literature in individuals affected with SEMA4A-related conditions. This variant is present in population databases (no rsID available, gnomAD 0.009%). This sequence change replaces alanine, which is neutral and non-polar, with serine, which is neutral and polar, at codon 235 of the SEMA4A protein (p.Ala235Ser).

NM_022367.4(SEMA4A):c.703G>T (p.Ala235Ser)

Gene: SEMA4A (semaphorin 4A; plus strand). Cytogenetic location: 1q22.
Variant type: single nucleotide variant.
Coding change: c.703G>T on transcript NM_022367.4 (MANE Select); coding-DNA position 703, G replaced by T.
Protein change: p.Ala235Ser; replaces alanine 235 with serine.
Molecular consequence: missense variant.
Genome position (GRCh38, 1-based): chr1:156,160,922, G>T. VCF-style: chr1-156160922-G-T. GRCh37 (hg19) VCF-style: chr1-156130713-G-T.
Other names: c.703G>T, p.Ala235Ser (NM_001193300.2, NM_001193301.2, NM_001370567.1); c.307G>T, p.Ala103Ser (NM_001193302.2); c.406G>T, p.Ala136Ser (NM_001370568.1); c.196G>T, p.Ala66Ser (NM_001370569.1, NM_001370571.1); short protein forms A235S, A103S, A136S, A66S.
Identifiers: ClinVar variation 2805246 (VCV002805246.3), dbSNP rs1158781443, ClinGen allele CA342838267.
Genomic context (GRCh38, chr1:156,160,922, plus strand): 5'-TGCAGGGGCTCAGTCCCTAAGCCCATCTGCCCCTCCCCCGCAGATGACGCCTCCTTTGTG[G>T]CAGCCATCCCTTCGACCCAGGTCGTCTACTTCTTCTTCGAGGAGACAGCCAGCGAGTTTG-3'
Protein context (NP_071762.2, residues 225-245): RWLHHDASFV[Ala235Ser]AIPSTQVVYF